The following is an entry in ClinVar:

NM_000322.5(PRPH2):c.800T>C (p.Val267Ala)

Gene: PRPH2 (peripherin 2; minus strand). Cytogenetic location: 6p21.1.
Variant type: single nucleotide variant.
Coding change: c.800T>C on transcript NM_000322.5 (MANE Select); coding-DNA position 800, T replaced by C.
Protein change: p.Val267Ala; replaces valine 267 with alanine.
Molecular consequence: missense variant.
Genome position (GRCh38, 1-based): chr6:42,704,393, A>G on the plus strand (T>C on the coding strand, the complement: PRPH2 is on the minus strand). VCF-style: chr6-42704393-A-G. GRCh37 (hg19) VCF-style: chr6-42672131-A-G.
Other names: short protein forms V267A.
Identifiers: ClinVar variation 1450544 (VCV001450544.6), dbSNP rs1009889150, ClinGen allele CA138171439.

ClinVar aggregate classification (germline): Uncertain significance (1 of 4 stars; one submission).

Conditions:
PRPH2-related disorder. Also called: PRPH2-related condition; PRPH2-related disorders. Identifiers: MedGen CN239395.

Allele frequency attached by ClinVar (database versions not stated): gnomAD exomes below 0.00001 and 0.00001; gnomAD 0.00001; TOPMed 0.00001.
gnomAD v4.1: 12 of 1,609,718 alleles (0.00075%); highest among the groups gnomAD compares: Non-Finnish European, 0.001%; no homozygotes.

Submission:

Labcorp Genetics (formerly Invitae), Labcorp
Classification: Uncertain significance for PRPH2-related disorder. Last evaluated: 2024-10-23. Review status: criteria provided, single submitter. Criteria: Invitae Variant Classification Sherloc (09022015). Collection method: clinical testing. Allele origin: germline.
Comment: This sequence change replaces valine, which is neutral and non-polar, with alanine, which is neutral and non-polar, at codon 267 of the PRPH2 protein (p.Val267Ala). The frequency data for this variant in the population databases is considered unreliable, as metrics indicate poor data quality at this position in the gnomAD database. This variant has not been reported in the literature in individuals affected with PRPH2-related conditions. ClinVar contains an entry for this variant (Variation ID: 1450544). Invitae Evidence Modeling of protein sequence and biophysical properties (such as structural, functional, and spatial information, amino acid conservation, physicochemical variation, residue mobility, and thermodynamic stability) indicates that this missense variant is not expected to disrupt PRPH2 protein function with a negative predictive value of 95%. In summary, the available evidence is currently insufficient to determine the role of this variant in disease. Therefore, it has been classified as a Variant of Uncertain Significance.